The following is an entry in ClinVar:

NM_000090.4(COL3A1):c.1869+1G>A

Gene: COL3A1 (collagen type III alpha 1 chain; plus strand). Cytogenetic location: 2q32.2.
Variant type: single nucleotide variant.
Coding change: c.1869+1G>A on transcript NM_000090.4 (MANE Select); the canonical splice donor site of the intron after coding-DNA position 1869, G replaced by A.
Molecular consequence: splice donor variant.
Genome position (GRCh38, 1-based): chr2:188,997,390, G>A. VCF-style: chr2-188997390-G-A. GRCh37 (hg19) VCF-style: chr2-189862116-G-A.
Identifiers: ClinVar variation 4992139 (VCV004992139.1).

ClinVar aggregate classification (germline): Pathogenic (1 of 4 stars; one submission).

Conditions:
COL3A1-related disorder. Also called: COL3A1-related condition.

Submission:

PreventionGenetics, part of Exact Sciences
Classification: Pathogenic for COL3A1-related condition. Last evaluated: 2026-01-09. Review status: criteria provided, single submitter. Criteria: ACMG Guidelines, 2015. Collection method: clinical testing. Allele origin: germline.
Comment: The COL3A1 c.1869+1G>A variant is predicted to disrupt the GT donor site and interfere with normal splicing. This variant has been reported in an individual with Ehlers-Danlos syndrome (vascular type) (reported as g.IVS27 + 1G>A in Shimaoka et al. 2013. PubMed ID: 23293852). Functional studies using skin fibroblasts found that this variant results in skipping of exons 27 and reduced protein levels (13.5%) when compared to gender and age-matched controls (Shimaoka et al. 2013. PubMed ID: 23293852). This variant has not been reported in a large population database (gnomAD), indicating this variant is rare. This variant is interpreted as pathogenic